The following is an entry in ClinVar:

NM_001005242.3(PKP2):c.600G>A (p.Val200=)

Gene: PKP2 (plakophilin 2; minus strand). Cytogenetic location: 12p11.21.
Variant type: single nucleotide variant.
Coding change: c.600G>A on transcript NM_001005242.3 (MANE Select); coding-DNA position 600, G replaced by A.
Protein change: p.Val200=; no amino-acid change (valine 200 retained).
Molecular consequence: synonymous variant.
Genome position (GRCh38, 1-based): chr12:32,878,280, C>T on the plus strand (G>A on the coding strand, the complement: PKP2 is on the minus strand). VCF-style: chr12-32878280-C-T. GRCh37 (hg19) VCF-style: chr12-33031214-C-T.
Other names: c.600G>A, p.Val200= (NM_004572.4).
Identifiers: ClinVar variation 519428 (VCV000519428.20), dbSNP rs781305034, ClinGen allele CA038146.

ClinVar aggregate classification (germline): Likely benign. Review status: criteria provided, multiple submitters, no conflicts (2 of 4 stars). 6 submissions from 6 submitters: Likely benign (6). Last evaluated 2026-03-20.

Conditions:
Arrhythmogenic right ventricular cardiomyopathy (ARVD). Also called: Arrhythmogenic cardiomyopathy; Arrhythmogenic Right Ventricular Cardiomyopathy (ARVC); Cardiomyopathy, ARVC; Arrhythmogenic right ventricular dysplasia. Identifiers: Orphanet 247, MedGen C0349788, MeSH D019571, MONDO:0016587. Disease mechanism: loss of function. Inheritance: Various modes of inheritance.
Cardiovascular phenotype. Identifiers: MedGen CN230736.
Cardiomyopathy (CMYO). Also called: Cardiomyopathies. Identifiers: Orphanet 167848, MedGen C0878544, MONDO:0004994, HP:0001638. Inheritance: Various modes of inheritance.
Arrhythmogenic right ventricular dysplasia 9 (ARVD9). Also called: Arrhythmogenic Right Ventricular Dysplasia/Cardiomyopathy 9; ARRHYTHMOGENIC RIGHT VENTRICULAR DYSPLASIA, FAMILIAL, 9. Identifiers: MedGen C1836906, MONDO:0012180, OMIM 609040.

Allele frequency attached by ClinVar (database versions not stated): gnomAD 0.00002 and 0.00005; TOPMed 0.00005; ExAC 0.00009.
gnomAD v4.1: 107 of 1,613,830 alleles (0.0066%); highest among the groups gnomAD compares: East Asian, 0.24%; no homozygotes.

Submissions (6):

Women's Health and Genetics/Laboratory Corporation of America, LabCorp
Classification: Likely benign. Last evaluated: 2026-03-20. Review status: criteria provided, single submitter. Criteria: LabCorp Variant Classification Summary - May 2015. Collection method: clinical testing. Allele origin: germline.

Labcorp Genetics (formerly Invitae), Labcorp
Classification: Likely benign for Arrhythmogenic right ventricular dysplasia 9. Last evaluated: 2026-02-04. Review status: criteria provided, single submitter. Criteria: Invitae Variant Classification Sherloc (09022015). Collection method: clinical testing. Allele origin: germline.

Blueprint Genetics
Classification: Likely benign. Last evaluated: 2024-10-31. Review status: criteria provided, single submitter. Criteria: ACMG Guidelines, 2015. Collection method: clinical testing. Allele origin: germline.

All of Us Research Program, National Institutes of Health
Classification: Likely benign for Arrhythmogenic right ventricular cardiomyopathy. Last evaluated: 2024-02-05. Review status: criteria provided, single submitter. Criteria: ACMG Guidelines, 2015. Collection method: clinical testing. Allele origin: germline. Inheritance: Autosomal dominant inheritance. Observed: 9 variant alleles, 9 heterozygotes.
Comment: This study involves interpretation of variants in research participants for the purpose of population health screening. Participant phenotype was not available at the time of variant classification. Additional details can be found in publication PMID: 35346344, PMCID: PMC8962531

Color Diagnostics, LLC DBA Color Health
Classification: Likely benign for Cardiomyopathy. Last evaluated: 2018-12-10. Review status: criteria provided, single submitter. Criteria: ACMG Guidelines, 2015. Collection method: clinical testing. Allele origin: germline.

Ambry Genetics
Classification: Likely benign for Cardiovascular phenotype. Last evaluated: 2017-04-06. Review status: criteria provided, single submitter. Criteria: Ambry Variant Classification Scheme 2023. Collection method: clinical testing. Allele origin: germline.